The following is an entry in ClinVar:

ClinVar aggregate classification (germline): Uncertain significance (1 of 4 stars; one submission).

Submission:

Labcorp Genetics (formerly Invitae), Labcorp
Classification: Uncertain significance. Last evaluated: 2020-08-20. Review status: criteria provided, single submitter. Criteria: Invitae Variant Classification Sherloc (09022015). Collection method: clinical testing. Allele origin: germline.
Comment: This sequence change replaces alanine with glutamic acid at codon 216 of the RUNX2 protein (p.Ala216Glu). The alanine residue is highly conserved and there is a moderate physicochemical difference between alanine and glutamic acid. This variant is not present in population databases (ExAC no frequency). This variant has not been reported in the literature in individuals with RUNX2-related conditions. Algorithms developed to predict the effect of missense changes on protein structure and function are either unavailable or do not agree on the potential impact of this missense change (SIFT: "Deleterious"; PolyPhen-2: "Probably Damaging"; Align-GVGD: "Class C15"). In summary, the available evidence is currently insufficient to determine the role of this variant in disease. Therefore, it has been classified as a Variant of Uncertain Significance.

NM_001024630.4(RUNX2):c.647C>A (p.Ala216Glu)

Gene: RUNX2 (RUNX family transcription factor 2; plus strand). Cytogenetic location: 6p21.1.
Variant type: single nucleotide variant.
Coding change: c.647C>A on transcript NM_001024630.4 (MANE Select); coding-DNA position 647, C replaced by A.
Protein change: p.Ala216Glu; replaces alanine 216 with glutamic acid.
Molecular consequence: missense variant.
Genome position (GRCh38, 1-based): chr6:45,438,013, C>A. VCF-style: chr6-45438013-C-A. GRCh37 (hg19) VCF-style: chr6-45405750-C-A.
Other names: c.647C>A, p.Ala216Glu (NM_001015051.4); c.605C>A, p.Ala202Glu (NM_001278478.2, NM_001369405.1); short protein forms A202E, A216E.
Identifiers: ClinVar variation 1016569 (VCV001016569.8), dbSNP rs1798735983, ClinGen allele CA363955313.